The following is an entry in ClinVar:

NM_001376.5(DYNC1H1):c.9333T>A (p.Ser3111Arg)

Genes: DYNC1H1 (dynein cytoplasmic 1 heavy chain 1; plus strand), LOC126862060 (BRD4-independent group 4 enhancer GRCh37_chr14:102493659-102494858; plus strand). Cytogenetic location: 14q32.31.
Variant type: single nucleotide variant.
Coding change: c.9333T>A on transcript NM_001376.5 (MANE Select); coding-DNA position 9333, T replaced by A.
Protein change: p.Ser3111Arg; replaces serine 3111 with arginine.
Molecular consequence: missense variant.
Genome position (GRCh38, 1-based): chr14:102,028,006, T>A. VCF-style: chr14-102028006-T-A. GRCh37 (hg19) VCF-style: chr14-102494343-T-A.
Other names: short protein forms S3111R.
Identifiers: ClinVar variation 246442 (VCV000246442.2), dbSNP rs879254260, ClinGen allele CA10584471.

ClinVar aggregate classification (germline): Uncertain significance (1 of 4 stars; one submission).

Submission:

GeneDx
Classification: Uncertain significance. Last evaluated: 2016-03-15. Review status: criteria provided, single submitter. Criteria: GeneDx Variant Classification (06012015). Collection method: clinical testing. Allele origin: germline. Affected: yes.
Comment: The S3111R variant has not been published as a pathogenic variant, nor has it been reported as a benign variant to our knowledge. It was not observed in approximately 6,500 individuals of European and African American ancestry in the NHLBI Exome Sequencing Project, indicating it is not a common benign variant in these populations. The S3111R variant is a semi-conservative amino acid substitution, which may impact secondary protein structure as these residues differ in some properties. This substitution occurs at a position that is conserved across species. However, in silico analysis is inconsistent in its predictions as to whether or not the variant is damaging to the protein structure/function. Additionally, missense variants in nearby residues have not been reported in the Human Gene Mutation Database in association with DYNC1H1-related disorders (Stenson et al., 2014). Therefore, based on the currently available information, it is unclear whether the S3111R variant is a pathogenic variant or a rare benign variant.